The following is an entry in ClinVar:

NM_017780.4(CHD7):c.2097-2A>G

Gene: CHD7 (chromodomain helicase DNA binding protein 7; plus strand). Cytogenetic location: 8q12.2.
Variant type: single nucleotide variant.
Coding change: c.2097-2A>G on transcript NM_017780.4 (MANE Select); the canonical splice acceptor site of the intron before coding-DNA position 2097, A replaced by G.
Molecular consequence: splice acceptor variant. On other transcripts: intron variant (1).
Genome position (GRCh38, 1-based): chr8:60,794,984, A>G. VCF-style: chr8-60794984-A-G. GRCh37 (hg19) VCF-style: chr8-61707543-A-G.
Other names: c.1716+13934A>G (NM_001316690.1).
Identifiers: ClinVar variation 1198860 (VCV001198860.10), dbSNP rs2150697457, ClinGen allele CA371295428.
Genomic context (GRCh38, chr8:60,794,984, plus strand): 5'-ATATAAGAGACATGCAGAAACACATTAAAAGTGAACACTAAGCGATCCACTTTGAATTCT[A>G]GTAATAAGAAACCTGACTCAGAAGCAAGTGCTTTGAAGAAAAAGGTCAACAAGGGAAAAA-3'

ClinVar aggregate classification (germline): Pathogenic. Review status: criteria provided, multiple submitters, no conflicts (2 of 4 stars). 3 submissions from 3 submitters: Pathogenic (3). Last evaluated 2024-10-26.

Conditions:
CHARGE syndrome (CHARGE). Also called: Hittner Hirsch Kreh syndrome; CHARGE ASSOCIATION--COLOBOMA, HEART ANOMALY, CHOANAL ATRESIA, RETARDATION, GENITAL AND EAR ANOMALIES; Coloboma, heart anomaly, choanal atresia, retardation, genital and ear anomalies; CHARGE association; Hall-Hittner syndrome. Identifiers: Orphanet 138, MedGen C0265354, MONDO:0008965.

Submissions (3):

3billion
Classification: Pathogenic for CHD7-related CHARGE syndrome. Last evaluated: 2024-10-26. Review status: criteria provided, single submitter. Criteria: ACMG Guidelines, 2015. Collection method: clinical testing. Allele origin: germline. Affected: yes.
Comment: The variant is not observed in the gnomAD v4.1.0 dataset. Predicted Consequence/Location: Canonical splice site: predicted to alter splicing and result in a loss or disruption of normal protein function. Multiple pathogenic loss-of-function variants are reported downstream of the variant. In silico tools predict the variant to alter splicing and produce an abnormal transcript [SpliceAI: 0.99 (spliceogenicity >=0.2, non-spliceogenicity <0.1)]. The variant has been reported at least twice as pathogenic without evidence for the classification (ClinVar ID: VCV001198860). Therefore, this variant is classified as Pathogenic according to the recommendation of ACMG/AMP guideline.

Labcorp Genetics (formerly Invitae), Labcorp
Classification: Pathogenic for CHARGE syndrome. Last evaluated: 2022-10-13. Review status: criteria provided, single submitter. Criteria: Invitae Variant Classification Sherloc (09022015). Collection method: clinical testing. Allele origin: germline.
Comment: This variant is not present in population databases (gnomAD no frequency). For these reasons, this variant has been classified as Pathogenic. Algorithms developed to predict the effect of sequence changes on RNA splicing suggest that this variant may disrupt the consensus splice site. ClinVar contains an entry for this variant (Variation ID: 1198860). Disruption of this splice site has been observed in individual(s) with CHARGE syndrome (PMID: 16400610). In at least one individual the variant was observed to be de novo. This sequence change affects an acceptor splice site in intron 3 of the CHD7 gene. It is expected to disrupt RNA splicing. Variants that disrupt the donor or acceptor splice site typically lead to a loss of protein function (PMID: 16199547), and loss-of-function variants in CHD7 are known to be pathogenic (PMID: 22461308, 25077900).

GeneDx
Classification: Pathogenic. Last evaluated: 2021-12-20. Review status: criteria provided, single submitter. Criteria: GeneDx Variant Classification Process June 2021. Collection method: clinical testing. Allele origin: germline. Affected: yes.
Comment: Canonical splice site variant predicted to result in a null allele in a gene for which loss-of-function is a known mechanism of disease; Not observed at significant frequency in large population cohorts (Lek et al., 2016); Has not been previously published as pathogenic or benign to our knowledge

Literature cited by the submitters: PubMed 16400610 (cited by Labcorp Genetics (formerly Invitae), Labcorp); PubMed 16199547 (cited by Labcorp Genetics (formerly Invitae), Labcorp); PubMed 22461308 (cited by Labcorp Genetics (formerly Invitae), Labcorp); PubMed 25077900 (cited by Labcorp Genetics (formerly Invitae), Labcorp).